The following is an entry in ClinVar:

NC_000023.10:g.(?_132670152)_(132730637_?)del

Gene: GPC3 (glypican 3; minus strand). Cytogenetic location: Xq26.2.
Variant type: Deletion.
Identifiers: ClinVar variation 2425131 (VCV002425131.6).

ClinVar aggregate classification (germline): Pathogenic (1 of 4 stars; one submission).

Conditions:
Wilms tumor 1 (WT1). Also called: Wilms tumor, somatic. Identifiers: Orphanet 654, MedGen CN033288, MONDO:0008679, OMIM 194070.

Submission:

Labcorp Genetics (formerly Invitae), Labcorp
Classification: Pathogenic for Wilms tumor 1. Last evaluated: 2022-02-22. Review status: criteria provided, single submitter. Criteria: Invitae Variant Classification Sherloc (09022015). Collection method: clinical testing. Allele origin: germline.
Comment: This variant is a gross deletion of the genomic region encompassing exon(s) 7-8 of the GPC3 gene, which includes the termination codon. This deletion extends beyond the assayed region for this gene and therefore may encompass additional genes. While this deletion is not anticipated to lead to nonsense mediated decay, it is expected to alter mRNA translation or result in a truncated protein product. For these reasons, this variant has been classified as Pathogenic. This variant disrupts a region of the GPC3 protein in which other variant(s) (p.Gly556Arg) have been determined to be pathogenic (PMID: 29637653). This suggests that this is a clinically significant region of the protein, and that variants that disrupt it are likely to be disease-causing. A similar copy number variant has been observed in individual(s) with Simpson-Golabi-Behmel syndrome (PMID: 29637653).

Literature cited by the submitters: PubMed 29637653.